The following is an entry in ClinVar:

ClinVar aggregate classification (germline): Uncertain significance (1 of 4 stars; one submission).

Submission:

Labcorp Genetics (formerly Invitae), Labcorp
Classification: Uncertain significance. Last evaluated: 2024-12-31. Review status: criteria provided, single submitter. Criteria: Invitae Variant Classification Sherloc (09022015). Collection method: clinical testing. Allele origin: germline.
Comment: This sequence change replaces glycine, which is neutral and non-polar, with aspartic acid, which is acidic and polar, at codon 437 of the WNK4 protein (p.Gly437Asp). This variant is not present in population databases (gnomAD no frequency). This variant has not been reported in the literature in individuals affected with WNK4-related conditions. Invitae Evidence Modeling of protein sequence and biophysical properties (such as structural, functional, and spatial information, amino acid conservation, physicochemical variation, residue mobility, and thermodynamic stability) indicates that this missense variant is not expected to disrupt WNK4 protein function with a negative predictive value of 95%. In summary, the available evidence is currently insufficient to determine the role of this variant in disease. Therefore, it has been classified as a Variant of Uncertain Significance.

NM_032387.5(WNK4):c.1310G>A (p.Gly437Asp)

Gene: WNK4 (WNK lysine deficient protein kinase 4; plus strand). Cytogenetic location: 17q21.2.
Variant type: single nucleotide variant.
Coding change: c.1310G>A on transcript NM_032387.5 (MANE Select); coding-DNA position 1310, G replaced by A.
Protein change: p.Gly437Asp; replaces glycine 437 with aspartic acid.
Molecular consequence: missense variant.
Genome position (GRCh38, 1-based): chr17:42,785,316, G>A. VCF-style: chr17-42785316-G-A. GRCh37 (hg19) VCF-style: chr17-40937334-G-A.
Other names: c.302G>A, p.Gly101Asp (NM_001321299.2); short protein forms G101D, G437D.
Identifiers: ClinVar variation 3634627 (VCV003634627.2).